The following is an entry in ClinVar:

NM_213599.3(ANO5):c.69C>A (p.Tyr23Ter)

Gene: ANO5 (anoctamin 5; plus strand). Cytogenetic location: 11p14.3.
Variant type: single nucleotide variant.
Coding change: c.69C>A on transcript NM_213599.3 (MANE Select); coding-DNA position 69, C replaced by A.
Protein change: p.Tyr23Ter; replaces tyrosine 23 with a stop codon.
Molecular consequence: nonsense.
Genome position (GRCh38, 1-based): chr11:22,203,832, C>A. VCF-style: chr11-22203832-C-A. GRCh37 (hg19) VCF-style: chr11-22225378-C-A.
Other names: c.69C>A, p.Tyr23Ter (NM_001142649.2); short protein forms Y23*.
Identifiers: ClinVar variation 598197 (VCV000598197.54), dbSNP rs762035813, ClinGen allele CA5922767.

ClinVar aggregate classification (germline): Pathogenic/Likely pathogenic. Review status: criteria provided, multiple submitters, no conflicts (2 of 4 stars). 5 submissions from 5 submitters: Pathogenic (4); Likely pathogenic (1). Last evaluated 2025-03-31.

Conditions:
Gnathodiaphyseal dysplasia (GDD). Also called: OSTEOGENESIS IMPERFECTA WITH UNUSUAL SKELETAL LESIONS; GNATHODIAPHYSEAL SCLEROSIS. Identifiers: Orphanet 53697, MedGen C1833736, MONDO:0008151, OMIM 166260.
Autosomal recessive limb-girdle muscular dystrophy type 2L (LGMDR12). Also called: MUSCULAR DYSTROPHY, LIMB-GIRDLE, AUTOSOMAL RECESSIVE 12; Limb-Girdle Muscular Dystrophy R12 Anoctamin-5-Related (LGMD-R12); Limb-girdle muscular dystrophy, type 2L. Identifiers: Orphanet 206549, MedGen C1969785, MONDO:0012652, OMIM 611307.

Allele frequency attached by ClinVar (database versions not stated): ExAC 0.00001; gnomAD 0.00001; TOPMed 0.00001.
gnomAD v4.1: 7 of 1,476,494 alleles (0.00047%); highest among the groups gnomAD compares: Non-Finnish European, 0.00066%; no homozygotes.

Submissions (5):

Labcorp Genetics (formerly Invitae), Labcorp
Classification: Pathogenic for Autosomal recessive limb-girdle muscular dystrophy type 2L; Gnathodiaphyseal dysplasia. Last evaluated: 2025-03-31. Review status: criteria provided, single submitter. Criteria: Invitae Variant Classification Sherloc (09022015). Collection method: clinical testing. Allele origin: germline.
Comment: This sequence change creates a premature translational stop signal (p.Tyr23*) in the ANO5 gene. It is expected to result in an absent or disrupted protein product. Loss-of-function variants in ANO5 are known to be pathogenic (PMID: 21186264, 23606453, 25891276, 30919934). The frequency data for this variant in the population databases is considered unreliable, as metrics indicate poor data quality at this position in the gnomAD database. This premature translational stop signal has been observed in individual(s) with clinical features of ANO5-related conditions (PMID: 31395899, 32528171). ClinVar contains an entry for this variant (Variation ID: 598197). For these reasons, this variant has been classified as Pathogenic.

GeneDx
Classification: Pathogenic. Last evaluated: 2023-08-23. Review status: criteria provided, single submitter. Criteria: GeneDx Variant Classification Process June 2021. Collection method: clinical testing. Allele origin: germline. Affected: yes.
Comment: Reported previously with a second ANO5 variant, in an individual with elevated CK levels, episodic myalgia, muscle cramps, asymmetrical calf and quadriceps muscle hypertrophy, with muscle biopsy showing non-characteristic moderate myopathic changes; a variant in RYR1 was also observed (Jarmula et al., 2019); Reported previously in an individual with unexplained limb-girdle weakness; other clinical and molecular information was not provided (Topf et al., 2020); Nonsense variant predicted to result in protein truncation or nonsense mediated decay in a gene for which loss of function is a known mechanism of disease; Not observed at significant frequency in large population cohorts (gnomAD); This variant is associated with the following publications: (PMID: 31395899, 32528171, 37526466)

Revvity Omics, Revvity
Classification: Pathogenic. Last evaluated: 2019-03-18. Review status: criteria provided, single submitter. Criteria: ACMG Guidelines, 2015. Collection method: clinical testing. Allele origin: germline.

Eurofins Ntd Llc (ga)
Classification: Pathogenic. Last evaluated: 2018-07-30. Review status: criteria provided, single submitter. Criteria: EGL ClinVar v180209 classification definitions. Collection method: clinical testing. Allele origin: germline. Observed: 1 variant allele, 1 heterozygote.

CeGaT Center for Human Genetics Tuebingen
Classification: Likely pathogenic. Last evaluated: 2018-06-01. Review status: criteria provided, single submitter. Criteria: CeGaT Center For Human Genetics Tuebingen Variant Classification Criteria Version 2. Collection method: clinical testing. Allele origin: germline. Affected: yes. Observed: 1 variant allele.

Literature cited by the submitters: PubMed 21186264 (cited by Labcorp Genetics (formerly Invitae), Labcorp); PubMed 23606453 (cited by Labcorp Genetics (formerly Invitae), Labcorp); PubMed 25891276 (cited by Labcorp Genetics (formerly Invitae), Labcorp); PubMed 30919934 (cited by Labcorp Genetics (formerly Invitae), Labcorp); PubMed 31395899 (cited by Labcorp Genetics (formerly Invitae), Labcorp); PubMed 32528171 (cited by Labcorp Genetics (formerly Invitae), Labcorp).